The following is an entry in ClinVar:

NM_018089.3(ANKZF1):c.710C>T (p.Thr237Met)

Gene: ANKZF1 (ankyrin repeat and zinc finger peptidyl tRNA hydrolase 1; plus strand). Cytogenetic location: 2q35.
Variant type: single nucleotide variant.
Coding change: c.710C>T on transcript NM_018089.3 (MANE Select); coding-DNA position 710, C replaced by T.
Protein change: p.Thr237Met; replaces threonine 237 with methionine.
Molecular consequence: missense variant.
Genome position (GRCh38, 1-based): chr2:219,233,324, C>T. VCF-style: chr2-219233324-C-T. GRCh37 (hg19) VCF-style: chr2-220098046-C-T.
Other names: c.710C>T (NM_018089.2); c.710C>T, p.Thr237Met (NM_001042410.2); c.80C>T, p.Thr27Met (NM_001282792.2); short protein forms T237M, T27M.
Identifiers: ClinVar variation 1361682 (VCV001361682.9), dbSNP rs371915106, ClinGen allele CA2120842.

ClinVar aggregate classification (germline): Uncertain significance. Review status: criteria provided, multiple submitters, no conflicts (2 of 4 stars). 2 submissions from 2 submitters: Uncertain significance (2). Last evaluated 2025-12-01.

Allele frequency attached by ClinVar (database versions not stated): ExAC 0.00003; gnomAD 0.00003; TOPMed 0.00003; gnomAD exomes 0.00004 and 0.00005; ESP Exome Variant Server 0.00008.

Submissions (2):

Labcorp Genetics (formerly Invitae), Labcorp
Classification: Uncertain significance. Last evaluated: 2025-12-01. Review status: criteria provided, single submitter. Criteria: Invitae Variant Classification Sherloc (09022015). Collection method: clinical testing. Allele origin: germline.
Comment: This sequence change replaces threonine, which is neutral and polar, with methionine, which is neutral and non-polar, at codon 237 of the ANKZF1 protein (p.Thr237Met). This variant is present in population databases (rs371915106, gnomAD 0.03%). This variant has not been reported in the literature in individuals affected with ANKZF1-related conditions. ClinVar contains an entry for this variant (Variation ID: 1361682). An algorithm developed to predict the effect of missense changes on protein structure and function (PolyPhen-2) suggests that this variant is likely to be disruptive. In summary, the available evidence is currently insufficient to determine the role of this variant in disease. Therefore, it has been classified as a Variant of Uncertain Significance.

Ambry Genetics
Classification: Uncertain significance. Last evaluated: 2023-10-03. Review status: criteria provided, single submitter. Criteria: Ambry Variant Classification Scheme 2023. Collection method: clinical testing. Allele origin: germline.